The following is an entry in ClinVar:

NM_001009944.3(PKD1):c.4498T>C (p.Trp1500Arg)

Gene: PKD1 (polycystin 1, transient receptor potential channel interacting; minus strand). Cytogenetic location: 16p13.3.
Variant type: single nucleotide variant.
Coding change: c.4498T>C on transcript NM_001009944.3 (MANE Select); coding-DNA position 4498, T replaced by C.
Protein change: p.Trp1500Arg; replaces tryptophan 1500 with arginine.
Molecular consequence: missense variant.
Genome position (GRCh38, 1-based): chr16:2,110,669, A>G on the plus strand (T>C on the coding strand, the complement: PKD1 is on the minus strand). VCF-style: chr16-2110669-A-G. GRCh37 (hg19) VCF-style: chr16-2160670-A-G.
Other names: c.4498T>C, p.Trp1500Arg (NM_000296.4); short protein forms W1500R.
Identifiers: ClinVar variation 3907612 (VCV003907612.1).

ClinVar aggregate classification (germline): Uncertain significance (1 of 4 stars; one submission).

Submission:

Women's Health and Genetics/Laboratory Corporation of America, LabCorp
Classification: Uncertain significance. Last evaluated: 2025-06-20. Review status: criteria provided, single submitter. Criteria: LabCorp Variant Classification Summary - May 2015. Collection method: clinical testing. Allele origin: germline.
Comment: Variant summary: PKD1 c.4498T>C (p.Trp1500Arg) results in a non-conservative amino acid change in the encoded protein sequence. Algorithms developed to predict the effect of missense changes on protein structure and function all suggest that this variant is likely to be disruptive. The variant was absent in 246570 control chromosomes. The available data on variant occurrences in the general population are insufficient to allow any conclusion about variant significance. To our knowledge, no occurrence of c.4498T>C in individuals affected with PKD1-Biallelic Autosomal Recessive Polycystic Kidney Disease and no experimental evidence demonstrating its impact on protein function have been reported. No submitters have cited clinical-significance assessments for this variant to ClinVar. Based on the evidence outlined above, the variant was classified as uncertain significance.